The following is an entry in ClinVar:

NM_001458.5(FLNC):c.7667C>T (p.Pro2556Leu)

Genes: FLNC-AS1 (FLNC antisense RNA 1; minus strand), FLNC (filamin C; plus strand). Cytogenetic location: 7q32.1.
Variant type: single nucleotide variant.
Coding change: c.7667C>T on transcript NM_001458.5 (MANE Select); coding-DNA position 7667, C replaced by T.
Protein change: p.Pro2556Leu; replaces proline 2556 with leucine.
Molecular consequence: missense variant.
Genome position (GRCh38, 1-based): chr7:128,857,223, C>T. VCF-style: chr7-128857223-C-T. GRCh37 (hg19) VCF-style: chr7-128497277-C-T.
Other names: c.7667C>T (NM_001458.4); c.7568C>T, p.Pro2523Leu (NM_001127487.2); short protein forms P2523L, P2556L.
Identifiers: ClinVar variation 1376582 (VCV001376582.7), dbSNP rs1809104361, ClinGen allele CA369219591.

ClinVar aggregate classification (germline): Uncertain significance. Review status: criteria provided, multiple submitters, no conflicts (2 of 4 stars). 2 submissions from 2 submitters: Uncertain significance (2). Last evaluated 2024-11-05.

Conditions:
Myofibrillar myopathy 5. Also called: Filaminopathy (type); FILAMINOPATHY, AUTOSOMAL DOMINANT. Identifiers: Orphanet 171445, MedGen C1836050, MONDO:0012289, OMIM 609524.
Distal myopathy with posterior leg and anterior hand involvement. Also called: WILLIAMS DISTAL MYOPATHY. Identifiers: Orphanet 63273, MedGen C3279722, MONDO:0013550, OMIM 614065.
Hypertrophic cardiomyopathy 26. Also called: Cardiomyopathy, familial hypertrophic, 26. Identifiers: Orphanet 75249, MedGen C4310749, MONDO:0014883, OMIM 617047.

Allele frequency attached by ClinVar (database versions not stated): gnomAD exomes below 0.00001.
gnomAD v4.1: 3 of 1,614,126 alleles (0.00019%); highest among the groups gnomAD compares: Non-Finnish European, 0.00025%; no homozygotes.

Submissions (2):

GeneDx
Classification: Uncertain significance. Last evaluated: 2024-11-05. Review status: criteria provided, single submitter. Criteria: GeneDx Variant Classification Process June 2021. Collection method: clinical testing. Allele origin: germline. Affected: yes.
Comment: Not observed at significant frequency in large population cohorts (gnomAD); In silico analysis supports that this missense variant has a deleterious effect on protein structure/function; Has not been previously published as pathogenic or benign to our knowledge

Labcorp Genetics (formerly Invitae), Labcorp
Classification: Uncertain significance for Distal myopathy with posterior leg and anterior hand involvement; Myofibrillar myopathy 5; Hypertrophic cardiomyopathy 26. Last evaluated: 2023-05-21. Review status: criteria provided, single submitter. Criteria: Invitae Variant Classification Sherloc (09022015). Collection method: clinical testing. Allele origin: germline.
Comment: This variant has not been reported in the literature in individuals affected with FLNC-related conditions. ClinVar contains an entry for this variant (Variation ID: 1376582). Advanced modeling of protein sequence and biophysical properties (such as structural, functional, and spatial information, amino acid conservation, physicochemical variation, residue mobility, and thermodynamic stability) performed at Invitae indicates that this missense variant is not expected to disrupt FLNC protein function. In summary, the available evidence is currently insufficient to determine the role of this variant in disease. Therefore, it has been classified as a Variant of Uncertain Significance. This sequence change replaces proline, which is neutral and non-polar, with leucine, which is neutral and non-polar, at codon 2556 of the FLNC protein (p.Pro2556Leu). This variant is not present in population databases (gnomAD no frequency).